The following is an entry in ClinVar:

NM_032447.5(FBN3):c.7269G>T (p.Thr2423=)

Gene: FBN3 (fibrillin 3; minus strand). Cytogenetic location: 19p13.2.
Variant type: single nucleotide variant.
Coding change: c.7269G>T on transcript NM_032447.5 (MANE Select); coding-DNA position 7269, G replaced by T.
Protein change: p.Thr2423=; no amino-acid change (threonine 2423 retained).
Molecular consequence: synonymous variant.
Genome position (GRCh38, 1-based): chr19:8,081,425, C>A on the plus strand (G>T on the coding strand, the complement: FBN3 is on the minus strand). VCF-style: chr19-8081425-C-A. GRCh37 (hg19) VCF-style: chr19-8146309-C-A.
Other names: c.7269G>T, p.Thr2423= (NM_001321431.2); c.7269G>T (NM_001321431.1).
Identifiers: ClinVar variation 731784 (VCV000731784.33), dbSNP rs150192643, ClinGen allele CA9150950.

ClinVar aggregate classification (germline): Likely benign. Review status: criteria provided, multiple submitters, no conflicts (2 of 4 stars). 4 submissions from 4 submitters: Likely benign (3). 1 of the submissions does not count toward it. Last evaluated 2026-01-20.

Conditions:
FBN3-related disorder. Also called: FBN3-related condition.

Allele frequency attached by ClinVar (database versions not stated): 1000 Genomes Project 30x 0.00062; 1000 Genomes Project 0.00080; ExAC 0.00106; TOPMed 0.00108; ESP Exome Variant Server 0.00146; gnomAD 0.00166.
gnomAD v4.1: 2,694 of 1,612,554 alleles (0.17%); highest among the groups gnomAD compares: Non-Finnish European, 0.21%; 5 homozygotes.

Submissions (4):

Labcorp Genetics (formerly Invitae), Labcorp
Classification: Likely benign. Last evaluated: 2026-01-20. Review status: criteria provided, single submitter. Criteria: Invitae Variant Classification Sherloc (09022015). Collection method: clinical testing. Allele origin: germline.

CeGaT Center for Human Genetics Tuebingen
Classification: Likely benign. Last evaluated: 2022-11-01. Review status: criteria provided, single submitter. Criteria: CeGaT Center For Human Genetics Tuebingen Variant Classification Criteria Version 2. Collection method: clinical testing. Allele origin: germline. Affected: yes. Observed: 1 variant allele.
Comment: FBN3: BP4, BP7, BS2

Breakthrough Genomics
Classification: Likely benign. Review status: criteria provided, single submitter. Criteria: ACMG Guidelines, 2015. Collection method: not provided. Allele origin: germline. Inheritance: Unknown mechanism. Affected: yes.

PreventionGenetics, part of Exact Sciences
Classification: Likely benign for FBN3-related condition. Last evaluated: 2019-02-27. Review status: no assertion criteria provided. Collection method: clinical testing. Allele origin: germline. Not counted in ClinVar's aggregate classification.
Comment: This variant is classified as likely benign based on ACMG/AMP sequence variant interpretation guidelines (Richards et al. 2015 PMID: 25741868, with internal and published modifications).